The following is an entry in ClinVar:

NM_022841.7(RFX7):c.3089G>A (p.Ser1030Asn)

Gene: RFX7 (regulatory factor X7; minus strand). Cytogenetic location: 15q21.3.
Variant type: single nucleotide variant.
Coding change: c.3089G>A on transcript NM_022841.7 (MANE Select); coding-DNA position 3089, G replaced by A.
Protein change: p.Ser1030Asn; replaces serine 1030 with asparagine.
Molecular consequence: missense variant.
Genome position (GRCh38, 1-based): chr15:56,094,639, C>T on the plus strand (G>A on the coding strand, the complement: RFX7 is on the minus strand). VCF-style: chr15-56094639-C-T. GRCh37 (hg19) VCF-style: chr15-56386837-C-T.
Other names: c.2798G>A, p.Ser933Asn (NM_001368073.2, NM_001368074.1, NM_001370554.1); c.3089G>A, p.Ser1030Asn (NM_001370561.1); short protein forms S1030N, S933N.
Identifiers: ClinVar variation 3385275 (VCV003385275.1).
Genomic context (GRCh38, chr15:56,094,639, plus strand): 5'-TGCATCGGTTTCACAGGACTACTTGAGACAATGCTGGCGTCATGATATGCCATACTGGAG[C>T]TTATTGGAGTGAATGCAAACGGATTCCTGCATTCAACAGGGCTGGGGGGGACACTACTGC-3'
Protein context (NP_073752.6, residues 1020-1040): CRNPFAFTPI[Ser1030Asn]SSMAYHDASI

ClinVar aggregate classification (germline): Uncertain significance (1 of 4 stars; one submission).

gnomAD v4.1: 2 of 1,613,900 alleles (0.00012%); highest among the groups gnomAD compares: Admixed American, 0.0017%; no homozygotes.

Submission:

Women's Health and Genetics/Laboratory Corporation of America, LabCorp
Classification: Uncertain significance. Last evaluated: 2024-10-16. Review status: criteria provided, single submitter. Criteria: LabCorp Variant Classification Summary - May 2015. Collection method: clinical testing. Allele origin: germline.
Comment: Variant summary: RFX7 c.3089G>A (p.Ser1030Asn) results in a conservative amino acid change in the encoded protein sequence. Two of three in-silico tools predict a benign effect of the variant on protein function. The variant allele was found at a frequency of 1.2e-06 in 1606928 control chromosomes in the gnomAD database (v4.1 dataset). The available data on variant occurrences in the general population are insufficient to allow any conclusion about variant significance. To our knowledge, no occurrence of c.3089G>A in individuals affected with Intellectual Developmental Disorder, Autosomal Dominant 71, With Behavioral Abnormalities and no experimental evidence demonstrating its impact on protein function have been reported. No submitters have cited clinical-significance assessments for this variant to ClinVar. Based on the evidence outlined above, the variant was classified as uncertain significance.